The following is an entry in ClinVar:

ClinVar aggregate classification (germline): Uncertain significance (1 of 4 stars; one submission).

Conditions:
Thrombocytopenia 1. Also called: X-linked thrombocytopenia with normal platelets; X-Linked Thrombocytopenia (XLT); THROMBOCYTOPENIA, X-LINKED, 1. Identifiers: Orphanet 268322, Orphanet 852, MedGen C1839163, MONDO:0010743, OMIM 313900.
Wiskott-Aldrich syndrome (WAS). Also called: ALDRICH SYNDROME; IMMUNODEFICIENCY 2; WISKOTT-ALDRICH SYNDROME 1; Wiskott-aldrich syndrome, somatic. Identifiers: Orphanet 906, MedGen C0043194, MONDO:0010518, OMIM 301000.
X-linked severe congenital neutropenia (SCNX). Identifiers: Orphanet 86788, MedGen C1845987, MONDO:0010294, OMIM 300299.

Submission:

Labcorp Genetics (formerly Invitae), Labcorp
Classification: Uncertain significance for Wiskott-Aldrich syndrome; X-linked severe congenital neutropenia; Thrombocytopenia 1. Last evaluated: 2025-02-15. Review status: criteria provided, single submitter. Criteria: Invitae Variant Classification Sherloc (09022015). Collection method: clinical testing. Allele origin: germline.
Comment: This sequence change replaces serine, which is neutral and polar, with proline, which is neutral and non-polar, at codon 320 of the WAS protein (p.Ser320Pro). This variant is not present in population databases (gnomAD no frequency). This variant has not been reported in the literature in individuals affected with WAS-related conditions. Invitae Evidence Modeling of protein sequence and biophysical properties (such as structural, functional, and spatial information, amino acid conservation, physicochemical variation, residue mobility, and thermodynamic stability) indicates that this missense variant is not expected to disrupt WAS protein function with a negative predictive value of 80%. In summary, the available evidence is currently insufficient to determine the role of this variant in disease. Therefore, it has been classified as a Variant of Uncertain Significance.

NM_000377.3(WAS):c.958T>C (p.Ser320Pro)

Gene: WAS (WASP actin nucleation promoting factor; plus strand). Cytogenetic location: Xp11.23.
Variant type: single nucleotide variant.
Coding change: c.958T>C on transcript NM_000377.3 (MANE Select); coding-DNA position 958, T replaced by C.
Protein change: p.Ser320Pro; replaces serine 320 with proline.
Molecular consequence: missense variant. On other transcripts: intron variant (2).
Genome position (GRCh38, 1-based): chrX:48,688,686, T>C. VCF-style: chrX-48688686-T-C. GRCh37 (hg19) VCF-style: chrX-48547075-T-C.
Other names: c.958T>C, p.Ser320Pro (NM_001438877.1, NM_001438879.1); c.932-130T>C (NM_001438878.1, NM_001438876.1); short protein forms S320P.
Identifiers: ClinVar variation 4782439 (VCV004782439.1).